The following is an entry in ClinVar:

ClinVar aggregate classification (germline): Uncertain significance (1 of 4 stars; one submission).

Conditions:
Osteogenesis imperfecta type I (OI1). Also called: Lobstein disease; OI, TYPE I; OSTEOGENESIS IMPERFECTA TARDA; OSTEOGENESIS IMPERFECTA WITH BLUE SCLERAE; Osteogenesis imperfecta type 1; Lobstein's Disease. Identifiers: Orphanet 216796, Orphanet 666, MedGen C0023931, MONDO:0008146, OMIM 166200. Disease mechanism: loss of function.
Ehlers-Danlos syndrome, classic type, 1 (EDSCL1). Also called: EDS I; EHLERS-DANLOS SYNDROME, GRAVIS TYPE; EHLERS-DANLOS SYNDROME, SEVERE CLASSIC TYPE; Ehlers-Danlos syndrome, type 1; Ehlers-Danlos Syndrome, Classic Type, COL5A1-Related. Identifiers: MedGen C0268335, MONDO:0019567, OMIM 130000.

Allele frequency attached by ClinVar (database versions not stated): gnomAD exomes below 0.00001.
gnomAD v4.1: 1 of 1,614,098 alleles (0.000062%); highest among the groups gnomAD compares: Admixed American, 0.0017%; no homozygotes.

Submission:

Labcorp Genetics (formerly Invitae), Labcorp
Classification: Uncertain significance for Osteogenesis imperfecta type I; Ehlers-Danlos syndrome, classic type, 1. Last evaluated: 2025-12-21. Review status: criteria provided, single submitter. Criteria: Invitae Variant Classification Sherloc (09022015). Collection method: clinical testing. Allele origin: germline.
Comment: This sequence change replaces leucine, which is neutral and non-polar, with arginine, which is basic and polar, at codon 218 of the COL1A2 protein (p.Leu218Arg). This variant is present in population databases (no rsID available, gnomAD no frequency). This variant has not been reported in the literature in individuals affected with COL1A2-related conditions. ClinVar contains an entry for this variant (Variation ID: 2923755). Invitae Evidence Modeling of protein sequence and biophysical properties (such as structural, functional, and spatial information, amino acid conservation, physicochemical variation, residue mobility, and thermodynamic stability) has been performed for this missense variant. However, the output from this modeling did not meet the statistical confidence thresholds required to predict the impact of this variant on COL1A2 protein function. In summary, the available evidence is currently insufficient to determine the role of this variant in disease. Therefore, it has been classified as a Variant of Uncertain Significance.

NM_000089.4(COL1A2):c.653T>G (p.Leu218Arg)

Gene: COL1A2 (collagen type I alpha 2 chain; plus strand). Cytogenetic location: 7q21.3.
Variant type: single nucleotide variant.
Coding change: c.653T>G on transcript NM_000089.4 (MANE Select); coding-DNA position 653, T replaced by G.
Protein change: p.Leu218Arg; replaces leucine 218 with arginine.
Molecular consequence: missense variant.
Genome position (GRCh38, 1-based): chr7:94,408,196, T>G. VCF-style: chr7-94408196-T-G. GRCh37 (hg19) VCF-style: chr7-94037508-T-G.
Other names: short protein forms L218R.
Identifiers: ClinVar variation 2923755 (VCV002923755.3), dbSNP rs1388254573, ClinGen allele CA368220249.